The following is an entry in ClinVar:

NM_139125.4(MASP1):c.1993G>A (p.Gly665Ser)

Gene: MASP1 (MBL associated serine protease 1; minus strand). Cytogenetic location: 3q27.3.
Variant type: single nucleotide variant.
Coding change: c.1993G>A on transcript NM_139125.4 (MANE Select); coding-DNA position 1993, G replaced by A.
Protein change: p.Gly665Ser; replaces glycine 665 with serine.
Molecular consequence: missense variant. On other transcripts: non-coding transcript variant (1), intron variant (1).
Genome position (GRCh38, 1-based): chr3:187,235,878, C>T on the plus strand (G>A on the coding strand, the complement: MASP1 is on the minus strand). VCF-style: chr3-187235878-C-T. GRCh37 (hg19) VCF-style: chr3-186953666-C-T.
Other names: c.1303+5603G>A (NM_001879.6); short protein forms G665S.
Identifiers: ClinVar variation 846202 (VCV000846202.9), dbSNP rs756893343, ClinGen allele CA2749120.

ClinVar aggregate classification (germline): Uncertain significance. Review status: criteria provided, multiple submitters, no conflicts (2 of 4 stars). 2 submissions from 2 submitters: Uncertain significance (2). Last evaluated 2025-06-27.

Conditions:
3MC syndrome 1. Also called: CRANIOSYNOSTOSIS WITH LID ANOMALIES; OCULOPALATOSKELETAL SYNDROME; MICHELS SYNDROME. Identifiers: Orphanet 293843, MedGen C0796059, MONDO:0009770, OMIM 257920.

Allele frequency attached by ClinVar (database versions not stated): TOPMed 0.00005; ExAC 0.00002; gnomAD 0.00003 and 0.00004.
gnomAD v4.1: 37 of 1,614,096 alleles (0.0023%); highest among the groups gnomAD compares: African/African-American, 0.0053%; no homozygotes.

Submissions (2):

GeneDx
Classification: Uncertain significance. Last evaluated: 2025-06-27. Review status: criteria provided, single submitter. Criteria: GeneDx Variant Classification Process June 2021. Collection method: clinical testing. Allele origin: germline. Affected: yes.
Comment: In vitro assays suggest that p.(G665S) is enzymatically defective in the cleavage/activation of zymogenic Factor D; however, the biological significance of these assays has not been established (PMID: 28794230); In silico analysis supports that this missense variant has a deleterious effect on protein structure/function; This variant is associated with the following publications: (PMID: 28794230, 36503917)

Labcorp Genetics (formerly Invitae), Labcorp
Classification: Uncertain significance for 3MC syndrome 1. Last evaluated: 2020-03-05. Review status: criteria provided, single submitter. Criteria: Invitae Variant Classification Sherloc (09022015). Collection method: clinical testing. Allele origin: germline.
Comment: In summary, the available evidence is currently insufficient to determine the role of this variant in disease. Therefore, it has been classified as a Variant of Uncertain Significance. This variant has been reported to affect MASP1 protein function (PMID: 28794230). This variant has been observed in individuals with clinical features of 3MC syndrome (PMID: 28794230, Invitae). This variant is present in population databases (rs756893343, ExAC 0.02%). This sequence change replaces glycine with serine at codon 665 of the MASP1 protein (p.Gly665Ser). The glycine residue is highly conserved and there is a small physicochemical difference between glycine and serine.

Literature cited by the submitters: PubMed 28794230 (cited by Labcorp Genetics (formerly Invitae), Labcorp).